The following is an entry in ClinVar:

NM_014712.3(SETD1A):c.4095G>A (p.Gly1365=)

Gene: SETD1A (SET domain containing 1A, histone lysine methyltransferase; plus strand). Cytogenetic location: 16p11.2.
Variant type: single nucleotide variant.
Coding change: c.4095G>A on transcript NM_014712.3 (MANE Select); coding-DNA position 4095, G replaced by A.
Protein change: p.Gly1365=; no amino-acid change (glycine 1365 retained).
Molecular consequence: synonymous variant.
Genome position (GRCh38, 1-based): chr16:30,979,881, G>A. VCF-style: chr16-30979881-G-A. GRCh37 (hg19) VCF-style: chr16-30991202-G-A.
Identifiers: ClinVar variation 2646451 (VCV002646451.24), dbSNP rs990642598, ClinGen allele CA494918867.

ClinVar aggregate classification (germline): Likely benign (1 of 4 stars; one submission).

Submission:

CeGaT Center for Human Genetics Tuebingen
Classification: Likely benign. Last evaluated: 2023-01-01. Review status: criteria provided, single submitter. Criteria: CeGaT Center For Human Genetics Tuebingen Variant Classification Criteria Version 2. Collection method: clinical testing. Allele origin: germline. Affected: yes. Observed: 1 variant allele.
Comment: SETD1A: PM2:Supporting, BP4, BP7